The following is an entry in ClinVar:

ClinVar aggregate classification (germline): Uncertain significance (1 of 4 stars; one submission).

Conditions:
Specific granule deficiency. Identifiers: Orphanet 169142, MedGen C0398593, MONDO:0009506.

Allele frequency attached by ClinVar (database versions not stated): gnomAD exomes 0.00002; ExAC 0.00001.

Submission:

Labcorp Genetics (formerly Invitae), Labcorp
Classification: Uncertain significance for Specific granule deficiency. Last evaluated: 2021-09-01. Review status: criteria provided, single submitter. Criteria: Invitae Variant Classification Sherloc (09022015). Collection method: clinical testing. Allele origin: germline.
Comment: This sequence change replaces leucine with isoleucine at codon 42 of the CEBPE protein (p.Leu42Ile). The leucine residue is highly conserved and there is a small physicochemical difference between leucine and isoleucine. This variant is present in population databases (rs762775546, ExAC 0.002%). This variant has not been reported in the literature in individuals affected with CEBPE-related conditions. Algorithms developed to predict the effect of missense changes on protein structure and function are either unavailable or do not agree on the potential impact of this missense change (SIFT: "Deleterious"; PolyPhen-2: "Probably Damaging"; Align-GVGD: "Class C0"). In summary, the available evidence is currently insufficient to determine the role of this variant in disease. Therefore, it has been classified as a Variant of Uncertain Significance.

NM_001805.4(CEBPE):c.124C>A (p.Leu42Ile)

Gene: CEBPE (CCAAT enhancer binding protein epsilon; minus strand). Cytogenetic location: 14q11.2.
Variant type: single nucleotide variant.
Coding change: c.124C>A on transcript NM_001805.4 (MANE Select); coding-DNA position 124, C replaced by A.
Protein change: p.Leu42Ile; replaces leucine 42 with isoleucine.
Molecular consequence: missense variant.
Genome position (GRCh38, 1-based): chr14:23,118,968, G>T on the plus strand (C>A on the coding strand, the complement: CEBPE is on the minus strand). VCF-style: chr14-23118968-G-T. GRCh37 (hg19) VCF-style: chr14-23588177-G-T.
Other names: short protein forms L42I.
Identifiers: ClinVar variation 1521718 (VCV001521718.5), dbSNP rs762775546, ClinGen allele CA7111288.